The following is an entry in ClinVar:

NC_000008.10:g.(?_30998936)_(31015056_?)del

Gene: WRN (WRN RecQ like helicase; plus strand). Cytogenetic location: 8p12.
Variant type: Deletion.
Identifiers: ClinVar variation 1071703 (VCV001071703.7).

ClinVar aggregate classification (germline): Pathogenic (1 of 4 stars; one submission).

Conditions:
Werner syndrome (WRN). Identifiers: Orphanet 902, MedGen C0043119, MONDO:0010196, OMIM 277700.

Submission:

Labcorp Genetics (formerly Invitae), Labcorp
Classification: Pathogenic for Werner syndrome. Last evaluated: 2023-03-26. Review status: criteria provided, single submitter. Criteria: Invitae Variant Classification Sherloc (09022015). Collection method: clinical testing. Allele origin: germline.
Comment: For these reasons, this variant has been classified as Pathogenic. This variant has not been reported in the literature in individuals affected with WRN-related conditions. This variant is a gross deletion of the genomic region encompassing exon(s) 25-33 of the WRN gene. This deletion is out-of-frame, and is expected to create a premature termination codon and result in an absent or disrupted protein product. Loss-of-function variants in WRN are known to be pathogenic (PMID: 16673358).

Literature cited by the submitters: PubMed 16673358.